The following is an entry in ClinVar:

ClinVar aggregate classification (germline): Conflicting classifications of pathogenicity. Review status: criteria provided, conflicting classifications (1 of 4 stars). 6 submissions from 6 submitters: Uncertain significance (5); Likely benign (1). Last evaluated 2026-01-06.

Conditions:
Cardiovascular phenotype. Identifiers: MedGen CN230736.
Arrhythmogenic right ventricular cardiomyopathy (ARVD). Also called: Arrhythmogenic right ventricular dysplasia; Arrhythmogenic cardiomyopathy; Arrhythmogenic Right Ventricular Cardiomyopathy (ARVC); Cardiomyopathy, ARVC. Identifiers: Orphanet 247, MedGen C0349788, MeSH D019571, MONDO:0016587. Disease mechanism: loss of function. Inheritance: Various modes of inheritance.
Cardiomyopathy (CMYO). Also called: Cardiomyopathies. Identifiers: Orphanet 167848, MedGen C0878544, MONDO:0004994, HP:0001638. Inheritance: Various modes of inheritance.
Arrhythmogenic right ventricular dysplasia 9 (ARVD9). Also called: ARRHYTHMOGENIC RIGHT VENTRICULAR DYSPLASIA, FAMILIAL, 9; Arrhythmogenic Right Ventricular Dysplasia/Cardiomyopathy 9. Identifiers: MedGen C1836906, MONDO:0012180, OMIM 609040.

Allele frequency attached by ClinVar (database versions not stated): gnomAD 0.00002; TOPMed 0.00003; gnomAD exomes 0.00005; ExAC 0.00006; ESP Exome Variant Server 0.00015.
gnomAD v4.1: 60 of 1,613,798 alleles (0.0037%); highest among the groups gnomAD compares: Admixed American, 0.005%; no homozygotes.

Submissions (6):

Labcorp Genetics (formerly Invitae), Labcorp
Classification: Uncertain significance for Arrhythmogenic right ventricular dysplasia 9. Last evaluated: 2026-01-06. Review status: criteria provided, single submitter. Criteria: Invitae Variant Classification Sherloc (09022015). Collection method: clinical testing. Allele origin: germline.
Comment: This sequence change replaces threonine, which is neutral and polar, with methionine, which is neutral and non-polar, at codon 851 of the PKP2 protein (p.Thr851Met). This variant is present in population databases (rs146118033, gnomAD 0.02%). This variant has not been reported in the literature in individuals affected with PKP2-related conditions. ClinVar contains an entry for this variant (Variation ID: 45072). An algorithm developed to predict the effect of missense changes on protein structure and function (PolyPhen-2) suggests that this variant is likely to be disruptive. In summary, the available evidence is currently insufficient to determine the role of this variant in disease. Therefore, it has been classified as a Variant of Uncertain Significance.

Color Diagnostics, LLC DBA Color Health
Classification: Likely benign for Cardiomyopathy. Last evaluated: 2025-08-27. Review status: criteria provided, single submitter. Criteria: ACMG Guidelines, 2015. Collection method: clinical testing. Allele origin: germline.

All of Us Research Program, National Institutes of Health
Classification: Uncertain significance for Arrhythmogenic right ventricular cardiomyopathy. Last evaluated: 2023-12-01. Review status: criteria provided, single submitter. Criteria: ACMG Guidelines, 2015. Collection method: clinical testing. Allele origin: germline. Inheritance: Autosomal dominant inheritance. Observed: 11 variant alleles, 11 heterozygotes.
Comment: This missense variant replaces threonine with methionine at codon 851 of the PKP2 protein. Computational prediction suggests that this variant may not impact protein structure and function (internally defined REVEL score threshold <= 0.5, PMID: 27666373). To our knowledge, functional studies have not been reported for this variant. This variant has not been reported in individuals affected with cardiovascular disorders in the literature. This variant has been identified in 14/282856 chromosomes in the general population by the Genome Aggregation Database (gnomAD). The available evidence is insufficient to determine the role of this variant in disease conclusively. Therefore, this variant is classified as a Variant of Uncertain Significance.

This study involves interpretation of variants in research participants for the purpose of population health screening. Participant phenotype was not available at the time of variant classification. Additional details can be found in publication PMID: 35346344, PMCID: PMC8962531

Ambry Genetics
Classification: Uncertain significance for Cardiovascular phenotype. Last evaluated: 2023-01-03. Review status: criteria provided, single submitter. Criteria: Ambry Variant Classification Scheme 2023. Collection method: clinical testing. Allele origin: germline.
Comment: The p.T851M variant (also known as c.2552C>T), located in coding exon 13 of the PKP2 gene, results from a C to T substitution at nucleotide position 2552. The threonine at codon 851 is replaced by methionine, an amino acid with similar properties. This amino acid position is well conserved in available vertebrate species. In addition, this alteration is predicted to be tolerated by in silico analysis. Since supporting evidence is limited at this time, the clinical significance of this alteration remains unclear.

GeneDx
Classification: Uncertain significance. Last evaluated: 2021-02-25. Review status: criteria provided, single submitter. Criteria: GeneDx Variant Classification Process June 2021. Collection method: clinical testing. Allele origin: germline. Affected: yes.
Comment: Has not been previously published as pathogenic or benign to our knowledge; Reported in ClinVar as a variant of uncertain significance (ClinVar Variant ID# 45072; Landrum et al., 2016); In silico analysis supports that this missense variant does not alter protein structure/function

Laboratory for Molecular Medicine, Mass General Brigham Personalized Medicine
Classification: Uncertain significance. Last evaluated: 2018-05-26. Review status: criteria provided, single submitter. Criteria: LMM Criteria. Collection method: clinical testing. Allele origin: germline. Observed: 4 variant alleles.
Comment: The p.Thr851Met variant in PKP2 has been identified by our laboratory in 2 Cauca sian individuals with ARVC one of whom carried a disease-causing frameshift vari ant in the same gene. This variant has also been identified in 5/25792 Finnish c hromosomes by the Genome Aggregation Database (gnomAD; dbSNP rs1461180033). Computational prediction tools and conservation an alysis suggest that the p.Thr851Met variant may not impact the protein, though t his information is not predictive enough to rule out pathogenicity. In summary, the clinical significance of the p.Thr851Met variant is uncertain. ACMG/AMP crit eria applied: BP4.

NM_001005242.3(PKP2):c.2420C>T (p.Thr807Met)

Gene: PKP2 (plakophilin 2; minus strand). Cytogenetic location: 12p11.21.
Variant type: single nucleotide variant.
Coding change: c.2420C>T on transcript NM_001005242.3 (MANE Select); coding-DNA position 2420, C replaced by T.
Protein change: p.Thr807Met; replaces threonine 807 with methionine.
Molecular consequence: missense variant.
Genome position (GRCh38, 1-based): chr12:32,792,669, G>A on the plus strand (C>T on the coding strand, the complement: PKP2 is on the minus strand). VCF-style: chr12-32792669-G-A. GRCh37 (hg19) VCF-style: chr12-32945603-G-A.
Other names: c.2552C>T, p.Thr851Met (NM_004572.4); short protein forms T851M, T807M.
Identifiers: ClinVar variation 45072 (VCV000045072.22), dbSNP rs146118033, ClinGen allele CA012169.
Genomic context (GRCh38, chr12:32,792,669, plus strand): 5'-GTTAACTATGACACATTCCTTGTTCATGTTCTTACCTTCTTGTAGGCATGATGCAGTTCC[G>A]TGTGTGCCCACAGAGAATACAGAAGGACGGAAGCAGCTTTACTTGCTTTGTTGGAGGCAT-3'
Protein context (NP_001005242.2, residues 797-817): SVLLYSLWAH[Thr807Met]ELHHAYKKAQ